The following is an entry in ClinVar:

ClinVar aggregate classification (germline): Uncertain significance (1 of 4 stars; one submission).

Submission:

Labcorp Genetics (formerly Invitae), Labcorp
Classification: Uncertain significance. Last evaluated: 2022-04-21. Review status: criteria provided, single submitter. Criteria: Invitae Variant Classification Sherloc (09022015). Collection method: clinical testing. Allele origin: germline.
Comment: In summary, the available evidence is currently insufficient to determine the role of this variant in disease. Therefore, it has been classified as a Variant of Uncertain Significance. Algorithms developed to predict the effect of missense changes on protein structure and function (SIFT, PolyPhen-2, Align-GVGD) all suggest that this variant is likely to be tolerated. This variant has not been reported in the literature in individuals affected with RORB-related conditions. This variant is not present in population databases (gnomAD no frequency). This sequence change replaces histidine, which is basic and polar, with leucine, which is neutral and non-polar, at codon 434 of the RORB protein (p.His434Leu).

NM_006914.4(RORB):c.1301A>T (p.His434Leu)

Genes: RORB (RAR related orphan receptor B; plus strand), LOC124310566 (Sharpr-MPRA regulatory region 9792; plus strand). Cytogenetic location: 9q21.13.
Variant type: single nucleotide variant.
Coding change: c.1301A>T on transcript NM_006914.4 (MANE Select); coding-DNA position 1301, A replaced by T.
Protein change: p.His434Leu; replaces histidine 434 with leucine.
Molecular consequence: missense variant.
Genome position (GRCh38, 1-based): chr9:74,685,539, A>T. VCF-style: chr9-74685539-A-T. GRCh37 (hg19) VCF-style: chr9-77300455-A-T.
Other names: c.1334A>T, p.His445Leu (NM_001365023.1); short protein forms H434L, H445L.
Identifiers: ClinVar variation 2127319 (VCV002127319.4), dbSNP rs2489679600, ClinGen allele CA373772592.
Genomic context (GRCh38, chr9:74,685,539, plus strand): 5'-CAACCATCACGGCAGTTTGCAACTTGCACGGGGAGAAGCTGCAGGTATTTAAGCAATCTC[A>T]TCCAGAGATAGTGAATACACTGTTTCCTCCGTTATACAAGGAGCTCTTTAATCCTGACTG-3'
Protein context (NP_008845.2, residues 424-444): GEKLQVFKQS[His434Leu]PEIVNTLFPP